The following is an entry in ClinVar:

NM_001371928.1(AHDC1):c.1646G>A (p.Arg549His)

Gene: AHDC1 (AT-hook DNA binding motif containing 1; minus strand). Cytogenetic location: 1p36.11.
Variant type: single nucleotide variant.
Coding change: c.1646G>A on transcript NM_001371928.1 (MANE Select); coding-DNA position 1646, G replaced by A.
Protein change: p.Arg549His; replaces arginine 549 with histidine.
Molecular consequence: missense variant.
Genome position (GRCh38, 1-based): chr1:27,550,470, C>T on the plus strand (G>A on the coding strand, the complement: AHDC1 is on the minus strand). VCF-style: chr1-27550470-C-T. GRCh37 (hg19) VCF-style: chr1-27876981-C-T.
Other names: c.1646G>A, p.Arg549His (NM_001029882.3); short protein forms R549H.
Identifiers: ClinVar variation 1307231 (VCV001307231.2), dbSNP rs2148284940, ClinGen allele CA339233640.
Genomic context (GRCh38, chr1:27,550,470, plus strand): 5'-GCCGCCACCACAGCTGGCTCCTTGGGCTTGCCGGGACCCAGCAGCAGGTTCTTAGGAGGG[C>T]GGCCGCGCTTACGTTTGAGAATAATGGGCATCTCACCGGGTGGGAAGACCACTACCACGT-3'
Protein context (NP_001358857.1, residues 539-559): MPIILKRKRG[Arg549His]PPKNLLLGPG

ClinVar aggregate classification (germline): Uncertain significance (1 of 4 stars; one submission).

Submission:

GeneDx
Classification: Uncertain significance. Last evaluated: 2019-07-29. Review status: criteria provided, single submitter. Criteria: GeneDx Variant Classification Process June 2021. Collection method: clinical testing. Allele origin: germline. Affected: yes.
Comment: Not observed in large population cohorts (Lek et al., 2016); In silico analysis, which includes protein predictors and evolutionary conservation, supports that this variant does not alter protein structure/function; Has not been previously published as pathogenic or benign to our knowledge